The following is an entry in ClinVar:

ClinVar aggregate classification (germline): Uncertain significance. Review status: criteria provided, multiple submitters, no conflicts (2 of 4 stars). 2 submissions from 2 submitters: Uncertain significance (2). Last evaluated 2024-01-06.

Conditions:
Fanconi anemia complementation group J. Also called: BRIP1-Related Fanconi Anemia. Identifiers: Orphanet 84, MedGen C1836860, MONDO:0012187, OMIM 609054.
Familial cancer of breast. Also called: hereditary breast carcinoma; Hereditary breast cancer; BREAST CANCER, FAMILIAL. Identifiers: Orphanet 227535, MedGen C0346153, MONDO:0016419, OMIM 114480. Disease mechanism: loss of function.
Hereditary cancer-predisposing syndrome. Also called: Tumor predisposition; Hereditary neoplastic syndrome; Neoplastic Syndromes, Hereditary; Hereditary Cancer Syndrome. Identifiers: Orphanet 140162, MedGen C0027672, MeSH D009386, MONDO:0015356.

Submissions (2):

Labcorp Genetics (formerly Invitae), Labcorp
Classification: Uncertain significance for Familial cancer of breast; Fanconi anemia complementation group J. Last evaluated: 2024-01-06. Review status: criteria provided, single submitter. Criteria: Invitae Variant Classification Sherloc (09022015). Collection method: clinical testing. Allele origin: germline.
Comment: This sequence change replaces cysteine, which is neutral and slightly polar, with tyrosine, which is neutral and polar, at codon 175 of the BRIP1 protein (p.Cys175Tyr). This variant is not present in population databases (gnomAD no frequency). This variant has not been reported in the literature in individuals affected with BRIP1-related conditions. ClinVar contains an entry for this variant (Variation ID: 1495820). Advanced modeling of protein sequence and biophysical properties (such as structural, functional, and spatial information, amino acid conservation, physicochemical variation, residue mobility, and thermodynamic stability) has been performed at Invitae for this missense variant, however the output from this modeling did not meet the statistical confidence thresholds required to predict the impact of this variant on BRIP1 protein function. In summary, the available evidence is currently insufficient to determine the role of this variant in disease. Therefore, it has been classified as a Variant of Uncertain Significance.

Ambry Genetics
Classification: Uncertain significance for Hereditary cancer-predisposing syndrome. Last evaluated: 2015-12-19. Review status: criteria provided, single submitter. Criteria: Ambry Variant Classification Scheme 2023. Collection method: clinical testing. Allele origin: germline.
Comment: The p.C175Y variant (also known as c.524G>A), located in coding exon 5 of the BRIP1 gene, results from a G to A substitution at nucleotide position 524. The cysteine at codon 175 is replaced by tyrosine, an amino acid with highly dissimilar properties. This variant was not reported in population based cohorts in the following databases: Database of Single Nucleotide Polymorphisms (dbSNP), NHLBI Exome Sequencing Project (ESP), and 1000 Genomes Project. In the ESP, this variant was not observed in 6503 samples (13006 alleles) with coverage at this position. To date, this alteration has been detected with an allele frequency of approximately 0.001% (greater than 120000 alleles tested) in our clinical cohort. This amino acid position is well conserved in available vertebrate species. In addition, the in silico prediction for this alteration is inconclusive. Since supporting evidence is limited at this time, the clinical significance of p.C175Y remains unclear.

NM_032043.3(BRIP1):c.524G>A (p.Cys175Tyr)

Gene: BRIP1 (BRCA1 interacting DNA helicase 1; minus strand). Cytogenetic location: 17q23.2.
Variant type: single nucleotide variant.
Coding change: c.524G>A on transcript NM_032043.3 (MANE Select); coding-DNA position 524, G replaced by A.
Protein change: p.Cys175Tyr; replaces cysteine 175 with tyrosine.
Molecular consequence: missense variant.
Genome position (GRCh38, 1-based): chr17:61,847,204, C>T on the plus strand (G>A on the coding strand, the complement: BRIP1 is on the minus strand). VCF-style: chr17-61847204-C-T. GRCh37 (hg19) VCF-style: chr17-59924565-C-T.
Other names: short protein forms C175Y.
Identifiers: ClinVar variation 1495820 (VCV001495820.9), dbSNP rs2145744852, ClinGen allele CA400483349.
Genomic context (GRCh38, chr17:61,847,204, plus strand): 5'-AGTTTTACAGTCTTTCCTGAATCAACTTTTGCATCCAAATTGTGTACTTCTGTTCCAAAG[C>T]AATGACGTTTTCTAATCTGTAAACACAGAACCAAAATGAAGTTTAAGGTGAACTAGAAGT-3'
Protein context (NP_114432.2, residues 165-185): ETTQQIRKRH[Cys175Tyr]FGTEVHNLDA